The following is an entry in ClinVar:

NM_001103146.3(GIGYF2):c.2610G>A (p.Glu870=)

Gene: GIGYF2 (GRB10 interacting GYF protein 2; plus strand). Cytogenetic location: 2q37.1.
Variant type: single nucleotide variant.
Coding change: c.2610G>A on transcript NM_001103146.3 (MANE Select); coding-DNA position 2610, G replaced by A.
Protein change: p.Glu870=; no amino-acid change (glutamic acid 870 retained).
Molecular consequence: synonymous variant. On other transcripts: non-coding transcript variant (1).
Genome position (GRCh38, 1-based): chr2:232,832,937, G>A. VCF-style: chr2-232832937-G-A. GRCh37 (hg19) VCF-style: chr2-233697647-G-A.
Other names: c.2673G>A, p.Glu891= (NM_001103147.2); c.2592G>A, p.Glu864= (NM_001103148.2); c.2610G>A, p.Glu870= (NM_015575.4).
Identifiers: ClinVar variation 3354733 (VCV003354733.1).

ClinVar aggregate classification (germline): Likely benign (0 of 4 stars; one submission).

Conditions:
GIGYF2-related disorder. Also called: GIGYF2-related condition.

gnomAD v4.1: 24 of 1,568,088 alleles (0.0015%); highest among the groups gnomAD compares: East Asian, 0.057%; no homozygotes.

Submission:

PreventionGenetics, part of Exact Sciences
Classification: Likely benign for GIGYF2-related condition. Last evaluated: 2019-09-18. Review status: no assertion criteria provided. Collection method: clinical testing. Allele origin: germline.
Comment: This variant is classified as likely benign based on ACMG/AMP sequence variant interpretation guidelines (Richards et al. 2015 PMID: 25741868, with internal and published modifications).